The following is an entry in ClinVar:

ClinVar aggregate classification (germline): Likely benign. Review status: criteria provided, multiple submitters, no conflicts (2 of 4 stars). 5 submissions from 5 submitters: Likely benign (4). 1 of the submissions does not count toward it. Last evaluated 2025-10-01.

Conditions:
RECQL4-related disorder. Also called: RECQL4-related disorders; RECQL4-related condition.
Inborn genetic diseases. Identifiers: MedGen C0950123, MeSH D030342.
Baller-Gerold syndrome (BGS). Also called: CRANIOSYNOSTOSIS WITH RADIAL DEFECTS. Identifiers: Orphanet 1225, MedGen C0265308, MONDO:0009039, OMIM 218600.
Hereditary cancer-predisposing syndrome. Also called: Hereditary neoplastic syndrome; Neoplastic Syndromes, Hereditary; Hereditary Cancer Syndrome; Tumor predisposition. Identifiers: Orphanet 140162, MedGen C0027672, MeSH D009386, MONDO:0015356.

Allele frequency attached by ClinVar (database versions not stated): ExAC 0.00001; gnomAD exomes 0.00001; TOPMed 0.00003.
gnomAD v4.1: 16 of 1,519,372 alleles (0.0011%); highest among the groups gnomAD compares: African/African-American, 0.007%; no homozygotes.

Submissions (5):

CeGaT Center for Human Genetics Tuebingen
Classification: Likely benign. Last evaluated: 2025-10-01. Review status: criteria provided, single submitter. Criteria: CeGaT Center For Human Genetics Tuebingen Variant Classification Criteria Version 2. Collection method: clinical testing. Allele origin: germline. Affected: yes. Observed: 6 variant alleles.
Comment: RECQL4: BP4, BP7

Labcorp Genetics (formerly Invitae), Labcorp
Classification: Likely benign for Baller-Gerold syndrome. Last evaluated: 2025-04-09. Review status: criteria provided, single submitter. Criteria: Invitae Variant Classification Sherloc (09022015). Collection method: clinical testing. Allele origin: germline.

Ambry Genetics
Classification: Likely benign for Inborn genetic diseases. Last evaluated: 2025-01-06. Review status: criteria provided, single submitter. Criteria: Ambry Variant Classification Scheme 2023. Collection method: clinical testing. Allele origin: germline.

Sema4
Classification: Likely benign for Hereditary cancer-predisposing syndrome. Last evaluated: 2021-05-07. Review status: criteria provided, single submitter. Criteria: Sema4 Curation Guidelines. Collection method: curation. Allele origin: germline.

PreventionGenetics, part of Exact Sciences
Classification: Likely benign for RECQL4-related condition. Last evaluated: 2019-03-25. Review status: no assertion criteria provided. Collection method: clinical testing. Allele origin: germline. Not counted in ClinVar's aggregate classification.
Comment: This variant is classified as likely benign based on ACMG/AMP sequence variant interpretation guidelines (Richards et al. 2015 PMID: 25741868, with internal and published modifications).

NM_004260.4(RECQL4):c.357C>T (p.Ala119=)

Gene: RECQL4 (RecQ like helicase 4; minus strand). Cytogenetic location: 8q24.3.
Variant type: single nucleotide variant.
Coding change: c.357C>T on transcript NM_004260.4 (MANE Select); coding-DNA position 357, C replaced by T.
Protein change: p.Ala119=; no amino-acid change (alanine 119 retained).
Molecular consequence: synonymous variant.
Genome position (GRCh38, 1-based): chr8:144,516,762, G>A on the plus strand (C>T on the coding strand, the complement: RECQL4 is on the minus strand). VCF-style: chr8-144516762-G-A. GRCh37 (hg19) VCF-style: chr8-145742146-G-A.
Identifiers: ClinVar variation 459493 (VCV000459493.22), dbSNP rs758460596, ClinGen allele CA4949321.